The following is an entry in ClinVar:

NM_002661.5(PLCG2):c.1052T>C (p.Met351Thr)

Gene: PLCG2 (phospholipase C gamma 2; plus strand). Cytogenetic location: 16q23.3.
Variant type: single nucleotide variant.
Coding change: c.1052T>C on transcript NM_002661.5 (MANE Select); coding-DNA position 1052, T replaced by C.
Protein change: p.Met351Thr; replaces methionine 351 with threonine.
Molecular consequence: missense variant.
Genome position (GRCh38, 1-based): chr16:81,893,774, T>C. VCF-style: chr16-81893774-T-C. GRCh37 (hg19) VCF-style: chr16-81927379-T-C.
Other names: c.1052T>C, p.Met351Thr (NM_001425749.1, NM_001425750.1, NM_001425751.1); short protein forms M351T.
Identifiers: ClinVar variation 4780205 (VCV004780205.1).

ClinVar aggregate classification (germline): Uncertain significance (1 of 4 stars; one submission).

Conditions:
Familial cold autoinflammatory syndrome 3 (FCAS3). Also called: FAMILIAL ATYPICAL COLD URTICARIA; ANTIBODY DEFICIENCY AND IMMUNE DYSREGULATION, PLCG2-ASSOCIATED. Identifiers: Orphanet 300359, MedGen C3280914, MONDO:0013766, OMIM 614468.

Submission:

Labcorp Genetics (formerly Invitae), Labcorp
Classification: Uncertain significance for Familial cold autoinflammatory syndrome 3. Last evaluated: 2025-05-22. Review status: criteria provided, single submitter. Criteria: Invitae Variant Classification Sherloc (09022015). Collection method: clinical testing. Allele origin: germline.
Comment: This sequence change replaces methionine, which is neutral and non-polar, with threonine, which is neutral and polar, at codon 351 of the PLCG2 protein (p.Met351Thr). The frequency data for this variant in the population databases is considered unreliable, as metrics indicate poor data quality at this position in the gnomAD database. This variant has not been reported in the literature in individuals affected with PLCG2-related conditions. An algorithm developed to predict the effect of missense changes on protein structure and function (PolyPhen-2) suggests that this variant is likely to be tolerated. In summary, the available evidence is currently insufficient to determine the role of this variant in disease. Therefore, it has been classified as a Variant of Uncertain Significance.